The following is an entry in ClinVar:

NM_138691.3(TMC1):c.364G>T (p.Glu122Ter)

Gene: TMC1 (transmembrane channel like 1; plus strand). Cytogenetic location: 9q21.13.
Variant type: single nucleotide variant.
Coding change: c.364G>T on transcript NM_138691.3 (MANE Select); coding-DNA position 364, G replaced by T.
Protein change: p.Glu122Ter; replaces glutamic acid 122 with a stop codon.
Molecular consequence: nonsense.
Genome position (GRCh38, 1-based): chr9:72,740,120, G>T. VCF-style: chr9-72740120-G-T. GRCh37 (hg19) VCF-style: chr9-75355036-G-T.
Other names: short protein forms E122*.
Identifiers: ClinVar variation 3601906 (VCV003601906.1).
Genomic context (GRCh38, chr9:72,740,120, plus strand): 5'-GTATTCTAGTCATTGCAACTCACCTCCTTTTATCCCTTATGTTATTTTTATTTTCTCAGG[G>T]AGGCAAAAAAATTTGTGAGTGAAAATGAAGGGGCTCTTGGGAAAGGAAAAGGAAAACGGT-3'

ClinVar aggregate classification (germline): Pathogenic (1 of 4 stars; one submission).

Conditions:
Autosomal recessive nonsyndromic hearing loss 7. Also called: DEAFNESS, AUTOSOMAL RECESSIVE 11. Identifiers: Orphanet 90636, MedGen C1832978, MONDO:0010967, OMIM 600974.

Submission:

Institute of Rare Diseases, West China Hospital, Sichuan University
Classification: Pathogenic for Autosomal recessive nonsyndromic hearing loss 7. Last evaluated: 2025-01-09. Review status: criteria provided, single submitter. Criteria: ClinGen HL ACMG Specifications v1. Collection method: research. Allele origin: germline. Affected: yes.
Comment: PVS1;PM3;PM2_Supporting